The following is an entry in ClinVar:

NC_000001.10:g.(?_154569261)_(154571081_?)dup

Gene: ADAR (adenosine deaminase RNA specific; minus strand). Cytogenetic location: 1q21.3.
Variant type: Duplication.
Identifiers: ClinVar variation 1466158 (VCV001466158.5).

ClinVar aggregate classification (germline): Uncertain significance (1 of 4 stars; one submission).

Conditions:
Aicardi-Goutieres syndrome 6 (AGS6). Identifiers: Orphanet 51, MedGen C3539013, MONDO:0014007, OMIM 615010.
Symmetrical dyschromatosis of extremities (DSH). Also called: DYSCHROMATOSIS SYMMETRICA HEREDITARIA 1; Dyschromatosis symmetrica hereditaria; RETICULATE ACROPIGMENTATION OF DOHI; SYMMETRIC DYSCHROMATOSIS OF THE EXTREMITIES. Identifiers: Orphanet 41, MedGen C0406775, MONDO:0007483, OMIM 127400.

Submission:

Labcorp Genetics (formerly Invitae), Labcorp
Classification: Uncertain significance for Aicardi-Goutieres syndrome 6; Symmetrical dyschromatosis of extremities. Last evaluated: 2022-09-07. Review status: criteria provided, single submitter. Criteria: Invitae Variant Classification Sherloc (09022015). Collection method: clinical testing. Allele origin: germline.
Comment: In summary, the available evidence is currently insufficient to determine the role of this variant in disease. Therefore, it has been classified as a Variant of Uncertain Significance. Experimental studies and prediction algorithms are not available or were not evaluated, and the functional significance of this variant is currently unknown. This variant has not been reported in the literature in individuals affected with ADAR-related conditions. This variant results in a copy number gain of the genomic region encompassing exon(s) 3-6 of the ADAR gene. While the exact position of this variant cannot be determined from the data, sub-genic copy number gains are generally in tandem (PMID: 25640679). This variant is predicted to be in-frame, and likely preserves the integrity of the reading frame.

Literature cited by the submitters: PubMed 25640679.